The following is an entry in ClinVar:

ClinVar aggregate classification (germline): Uncertain significance (1 of 4 stars; one submission).

Conditions:
Hereditary cancer-predisposing syndrome. Also called: Neoplastic Syndromes, Hereditary; Tumor predisposition; Hereditary Cancer Syndrome; Hereditary neoplastic syndrome. Identifiers: Orphanet 140162, MedGen C0027672, MeSH D009386, MONDO:0015356.

Submission:

Ambry Genetics
Classification: Uncertain significance for Hereditary cancer-predisposing syndrome. Last evaluated: 2025-08-05. Review status: criteria provided, single submitter. Criteria: Ambry Variant Classification Scheme 2023. Collection method: clinical testing. Allele origin: germline.
Comment: The p.C630R variant (also known as c.1888T>C), located in coding exon 5 of the PALB2 gene, results from a T to C substitution at nucleotide position 1888. The cysteine at codon 630 is replaced by arginine, an amino acid with highly dissimilar properties. This amino acid position is not well conserved in available vertebrate species. In addition, this alteration is predicted to be tolerated by in silico analysis. Since supporting evidence is limited at this time, the clinical significance of this alteration remains unclear.

NM_024675.4(PALB2):c.1888T>C (p.Cys630Arg)

Gene: PALB2 (partner and localizer of BRCA2; minus strand). Cytogenetic location: 16p12.2.
Variant type: single nucleotide variant.
Coding change: c.1888T>C on transcript NM_024675.4 (MANE Select); coding-DNA position 1888, T replaced by C.
Protein change: p.Cys630Arg; replaces cysteine 630 with arginine.
Molecular consequence: missense variant.
Genome position (GRCh38, 1-based): chr16:23,630,266, A>G on the plus strand (T>C on the coding strand, the complement: PALB2 is on the minus strand). VCF-style: chr16-23630266-A-G. GRCh37 (hg19) VCF-style: chr16-23641587-A-G.
Other names: c.1828T>C, p.Cys610Arg (NM_001407296.1); c.1888T>C, p.Cys630Arg (NM_001407297.1, NM_001407298.1, NM_001407299.1 and 3 more transcripts); c.1003T>C, p.Cys335Arg (NM_001407304.1, NM_001407305.1, NM_001407306.1 and 5 more transcripts); c.100T>C, p.Cys34Arg (NM_001407312.1, NM_001407313.1); short protein forms C34R, C630R, C335R, C610R.
Identifiers: ClinVar variation 1782017 (VCV001782017.3), dbSNP rs2142386793, ClinGen allele CA395127626.
Genomic context (GRCh38, chr16:23,630,266, plus strand): 5'-CTTTAAGATGTCTCTCTCCAAACATTTTTGACTCAAAGGGCTCCACTGGTTTTTCTGAGC[A>G]GGACTTCACTTTTTCAAGCTTAAGAGGTCCAAAGTCTTCATCAGGTAACTGAAAGTCTGT-3'
Protein context (NP_078951.2, residues 620-640): GPLKLEKVKS[Cys630Arg]SEKPVEPFES